The following is an entry in ClinVar:

ClinVar aggregate classification (germline): Conflicting classifications of pathogenicity. Review status: criteria provided, conflicting classifications (1 of 4 stars). 3 submissions from 3 submitters: Uncertain significance (2); Likely benign (1). Last evaluated 2026-06-01.

Conditions:
KBG syndrome (KBGS). Also called: ANKRD11-Related KBG Syndrome. Identifiers: Orphanet 2332, MedGen C0220687, MONDO:0007846, OMIM 148050.

Allele frequency attached by ClinVar (database versions not stated): ExAC 0.00002; gnomAD exomes 0.00003 and 0.00005; gnomAD 0.00011 and 0.00012; TOPMed 0.00017.
gnomAD v4.1: 54 of 1,612,232 alleles (0.0033%); highest among the groups gnomAD compares: Admixed American, 0.042%; no homozygotes.

Submissions (3):

CeGaT Center for Human Genetics Tuebingen
Classification: Likely benign. Last evaluated: 2026-06-01. Review status: criteria provided, single submitter. Criteria: CeGaT Center For Human Genetics Tuebingen Variant Classification Criteria Version 2. Collection method: clinical testing. Allele origin: germline. Affected: yes. Observed: 1 variant allele.
Comment: ANKRD11: BS2

Labcorp Genetics (formerly Invitae), Labcorp
Classification: Uncertain significance for KBG syndrome. Last evaluated: 2025-10-01. Review status: criteria provided, single submitter. Criteria: Invitae Variant Classification Sherloc (09022015). Collection method: clinical testing. Allele origin: germline.
Comment: This sequence change replaces proline, which is neutral and non-polar, with leucine, which is neutral and non-polar, at codon 2139 of the ANKRD11 protein (p.Pro2139Leu). This variant is present in population databases (rs753112904, gnomAD 0.02%). This missense change has been observed in individual(s) with KBG syndrome (PMID: 28250421). ClinVar contains an entry for this variant (Variation ID: 1303893). Invitae Evidence Modeling of protein sequence and biophysical properties (such as structural, functional, and spatial information, amino acid conservation, physicochemical variation, residue mobility, and thermodynamic stability) has been performed for this missense variant. However, the output from this modeling did not meet the statistical confidence thresholds required to predict the impact of this variant on ANKRD11 protein function. In summary, the available evidence is currently insufficient to determine the role of this variant in disease. Therefore, it has been classified as a Variant of Uncertain Significance.

GeneDx
Classification: Uncertain significance. Last evaluated: 2020-08-14. Review status: criteria provided, single submitter. Criteria: GeneDx Variant Classification Process June 2021. Collection method: clinical testing. Allele origin: germline. Affected: yes.
Comment: Identified in an individual with a clinical diagnosis of KBG syndrome without neurodevelopmental issues, and inherited by a mildly affected parent with short stature, facial dysmorphism, and macrodontia (Miyatake et al., 2017); In silico analysis supports that this missense variant has a deleterious effect on protein structure/function; This variant is associated with the following publications: (PMID: 28250421)

Literature cited by the submitters: PubMed 28250421 (cited by Labcorp Genetics (formerly Invitae), Labcorp).

NM_013275.6(ANKRD11):c.6416C>T (p.Pro2139Leu)

Gene: ANKRD11 (ankyrin repeat domain 11; minus strand). Cytogenetic location: 16q24.3.
Variant type: single nucleotide variant.
Coding change: c.6416C>T on transcript NM_013275.6 (MANE Select); coding-DNA position 6416, C replaced by T.
Protein change: p.Pro2139Leu; replaces proline 2139 with leucine.
Molecular consequence: missense variant.
Genome position (GRCh38, 1-based): chr16:89,280,126, G>A on the plus strand (C>T on the coding strand, the complement: ANKRD11 is on the minus strand). VCF-style: chr16-89280126-G-A. GRCh37 (hg19) VCF-style: chr16-89346534-G-A.
Other names: c.6416C>T, p.Pro2139Leu (NM_001256182.2, NM_001256183.2); short protein forms P2139L.
Identifiers: ClinVar variation 1303893 (VCV001303893.6), dbSNP rs753112904, ClinGen allele CA8241457.